The following is an entry in ClinVar:

ClinVar aggregate classification (germline): Uncertain significance (1 of 4 stars; one submission).

Conditions:
Pseudohypoaldosteronism type 2C (PHA2C). Also called: Pseudohypoaldosteronism Type IIC. Identifiers: Orphanet 757, Orphanet 88940, MedGen C1840391, MONDO:0013778, OMIM 614492.
Neuropathy, hereditary sensory and autonomic, type 2A (HSAN2A). Also called: ACROOSTEOLYSIS, GIACCAI TYPE; ACROOSTEOLYSIS, NEUROGENIC; HSAN IIA; WNK1-Related HSAN2 (HSAN2A); MORVAN DISEASE; NEUROPATHY, CONGENITAL SENSORY. Identifiers: Orphanet 970, MedGen C2752089, MONDO:0024309, OMIM 201300.

Allele frequency attached by ClinVar (database versions not stated): gnomAD exomes below 0.00001.
gnomAD v4.1: 4 of 1,614,020 alleles (0.00025%); highest among the groups gnomAD compares: Middle Eastern, 0.016%; no homozygotes.

Submission:

Labcorp Genetics (formerly Invitae), Labcorp
Classification: Uncertain significance for Neuropathy, hereditary sensory and autonomic, type 2A; Pseudohypoaldosteronism type 2C. Last evaluated: 2021-04-12. Review status: criteria provided, single submitter. Criteria: Invitae Variant Classification Sherloc (09022015). Collection method: clinical testing. Allele origin: germline.
Comment: This sequence change replaces glutamine with proline at codon 1092 of the WNK1 protein (p.Gln1092Pro). The glutamine residue is highly conserved and there is a moderate physicochemical difference between glutamine and proline. In summary, the available evidence is currently insufficient to determine the role of this variant in disease. Therefore, it has been classified as a Variant of Uncertain Significance. Algorithms developed to predict the effect of sequence changes on RNA splicing suggest that this variant is not likely to affect RNA splicing, but this prediction has not been confirmed by published transcriptional studies. Advanced modeling of protein sequence and biophysical properties (such as structural, functional, and spatial information, amino acid conservation, physicochemical variation, residue mobility, and thermodynamic stability) performed at Invitae indicates that this missense variant is not expected to disrupt WNK1 protein function. This variant has not been reported in the literature in individuals with WNK1-related conditions. ClinVar contains an entry for this variant (Variation ID: 653401). This variant is not present in population databases (ExAC no frequency).

NM_213655.5(WNK1):c.3275A>C (p.Gln1092Pro)

Gene: WNK1 (WNK lysine deficient protein kinase 1; plus strand). Cytogenetic location: 12p13.33.
Variant type: single nucleotide variant.
Coding change: c.3275A>C on transcript NM_213655.5 (MANE Plus Clinical); coding-DNA position 3275, A replaced by C.
Protein change: p.Gln1092Pro; replaces glutamine 1092 with proline.
Molecular consequence: missense variant. On other transcripts: intron variant (2).
Genome position (GRCh38, 1-based): chr12:868,746, A>C. VCF-style: chr12-868746-A-C. GRCh37 (hg19) VCF-style: chr12-977912-A-C.
Other names: c.3020A>C, p.Gln1007Pro (NM_001184985.2); c.2140-2519A>C (NM_018979.4, NM_014823.3); short protein forms Q1007P, Q1092P.
Identifiers: ClinVar variation 653401 (VCV000653401.8), dbSNP rs1432929457, ClinGen allele CA383341751.